The following is an entry in ClinVar:

NM_014000.3(VCL):c.1238C>T (p.Ala413Val)

Gene: VCL (vinculin; plus strand). Cytogenetic location: 10q22.2.
Variant type: single nucleotide variant.
Coding change: c.1238C>T on transcript NM_014000.3 (MANE Select); coding-DNA position 1238, C replaced by T.
Protein change: p.Ala413Val; replaces alanine 413 with valine.
Molecular consequence: missense variant.
Genome position (GRCh38, 1-based): chr10:74,090,084, C>T. VCF-style: chr10-74090084-C-T. GRCh37 (hg19) VCF-style: chr10-75849842-C-T.
Other names: p.A413V:GCT>GTT; c.1238C>T, p.Ala413Val (NM_003373.4); short protein forms A413V.
Identifiers: ClinVar variation 202156 (VCV000202156.12), dbSNP rs794729190, ClinGen allele CA335622.
Genomic context (GRCh38, chr10:74,090,084, plus strand): 5'-ACTGGCTTGCAGATCCAAATGGTGGACCGGAAGGAGAAGAGCAGATTCGAGGTGCTTTGG[C>T]TGAAGCTCGGAAAATAGCAGAATTATGTGATGATCCTAAAGAAAGAGATGACATTCTACG-3'
Protein context (NP_054706.1, residues 403-423): EGEEQIRGAL[Ala413Val]EARKIAELCD

ClinVar aggregate classification (germline): Uncertain significance. Review status: criteria provided, multiple submitters, no conflicts (2 of 4 stars). 3 submissions from 3 submitters: Uncertain significance (3). Last evaluated 2025-08-12.

Conditions:
Cardiovascular phenotype. Identifiers: MedGen CN230736.
Dilated cardiomyopathy 1W (CMD1W). Identifiers: Orphanet 154, MedGen C1969639, MONDO:0012667, OMIM 611407.

Allele frequency attached by ClinVar (database versions not stated): gnomAD 0.00001; gnomAD exomes 0.00001; TOPMed 0.00001.
gnomAD v4.1: 4 of 1,614,008 alleles (0.00025%); highest among the groups gnomAD compares: Admixed American, 0.0067%; no homozygotes.

Submissions (3):

Labcorp Genetics (formerly Invitae), Labcorp
Classification: Uncertain significance for Dilated cardiomyopathy 1W. Last evaluated: 2025-08-12. Review status: criteria provided, single submitter. Criteria: Invitae Variant Classification Sherloc (09022015). Collection method: clinical testing. Allele origin: germline.
Comment: This sequence change replaces alanine, which is neutral and non-polar, with valine, which is neutral and non-polar, at codon 413 of the VCL protein (p.Ala413Val). This variant is present in population databases (rs794729190, gnomAD 0.009%). This variant has not been reported in the literature in individuals affected with VCL-related conditions. ClinVar contains an entry for this variant (Variation ID: 202156). An algorithm developed to predict the effect of missense changes on protein structure and function (PolyPhen-2) suggests that this variant is likely to be tolerated. In summary, the available evidence is currently insufficient to determine the role of this variant in disease. Therefore, it has been classified as a Variant of Uncertain Significance.

Ambry Genetics
Classification: Uncertain significance for Cardiovascular phenotype. Last evaluated: 2022-07-23. Review status: criteria provided, single submitter. Criteria: Ambry Variant Classification Scheme 2023. Collection method: clinical testing. Allele origin: germline.
Comment: The p.A413V variant (also known as c.1238C>T), located in coding exon 10 of the VCL gene, results from a C to T substitution at nucleotide position 1238. The alanine at codon 413 is replaced by valine, an amino acid with similar properties. This amino acid position is conserved. In addition, this alteration is predicted to be tolerated by in silico analysis. Since supporting evidence is limited at this time, the clinical significance of this alteration remains unclear.

GeneDx
Classification: Uncertain significance. Last evaluated: 2014-04-21. Review status: criteria provided, single submitter. Criteria: GeneDx Variant Classification (06012015). Collection method: clinical testing. Allele origin: germline. Affected: yes.
Comment: p.Ala413Val (A413V) GCT>GTT: c.1238 C>T in exon 10 of the VCL gene (NM_014000.2); The A413V variant has not been published as a mutation or as a benign polymorphism to our knowledge. The A413V variant was not observed in approximately 6,500 individuals of European and African American ancestry in the NHLBI Exome Sequencing Project, indicating it is not a common benign variant in these populations. The A413V variant is a conservative amino acid substitution, which is not likely to impact secondary protein structure as these residues share similar properties. This substitution occurs at a position that is not well conserved across species. In silico analysis is inconsistent in its predictions as to whether or not the variant is damaging to the protein structure/function. Mutations in nearby residues have not been reported in association with DCM, indicating this region of the protein may tolerate change. With the clinical and molecular information available at this time, we cannot definitively determine if Ile431Ser in the VCL gene is a disease-causing mutation or a rare benign variant. The variant is found in DCM-CRDM panel(s).